The following is an entry in ClinVar:

ClinVar aggregate classification (germline): Likely pathogenic (1 of 4 stars; one submission).

Conditions:
Deficiency of alpha-mannosidase (MANSA). Also called: Alpha-Mannosidosis; Mannosidosis, alpha-, types I and II; LYSOSOMAL ALPHA-D-MANNOSIDASE DEFICIENCY. Identifiers: Orphanet 61, MedGen C0024748, MONDO:0009561, OMIM 248500.

Submission:

Natera, Inc.
Classification: Likely pathogenic for Alpha-mannosidosis. Last evaluated: 2025-08-03. Review status: criteria provided, single submitter. Criteria: Natera Variant Classification Schema (03/2026). Collection method: clinical testing. Allele origin: germline.
Comment: The c.159+2T>A variant in MAN2B1 is a canonical splice donor site variant predicted to affect pre-mRNA splicing, which may result in an abnormal transcript and altered protein product. This variant is expected to result in nonsense mediated decay, truncation, or a dysfunctional protein product. This variant is rare in the general population with a frequency below the threshold expected for the associated phenotype(s). Given the available evidence, this variant is classified as Likely Pathogenic.

NM_000528.4(MAN2B1):c.159+2T>A

Gene: MAN2B1 (mannosidase alpha class 2B member 1; minus strand). Cytogenetic location: 19p13.13.
Variant type: single nucleotide variant.
Coding change: c.159+2T>A on transcript NM_000528.4 (MANE Select); the canonical splice donor site of the intron after coding-DNA position 159, T replaced by A.
Molecular consequence: splice donor variant.
Genome position (GRCh38, 1-based): chr19:12,666,541, A>T on the plus strand (T>A on the coding strand, the complement: MAN2B1 is on the minus strand). VCF-style: chr19-12666541-A-T. GRCh37 (hg19) VCF-style: chr19-12777355-A-T.
Other names: c.159+2T>A (NM_001173498.2, NM_001440570.1).
Identifiers: ClinVar variation 4814306 (VCV004814306.1).